The following is an entry in ClinVar:

ClinVar aggregate classification (germline): Benign. Review status: criteria provided, multiple submitters, no conflicts (2 of 4 stars). 7 submissions from 7 submitters: Benign (6). 1 of the submissions does not count toward it. Last evaluated 2026-02-03.

Conditions:
EPAS1-related disorder. Also called: EPAS1-related condition.
Erythrocytosis, familial, 4 (ECYT4). Identifiers: Orphanet 247511, MedGen C2673187, MONDO:0012729, OMIM 611783.

Allele frequency attached by ClinVar (database versions not stated): gnomAD 0.13289 and 0.14073; TOPMed 0.14957; 1000 Genomes Project 0.16334; gnomAD exomes 0.05179; ExAC 0.05826; ESP Exome Variant Server 0.14778; 1000 Genomes Project 30x 0.16927.
gnomAD v4.1: 64,677 of 1,613,834 alleles (4%); highest among the groups gnomAD compares: African/African-American, 42%; 7,585 homozygotes.

Submissions (7):

Labcorp Genetics (formerly Invitae), Labcorp
Classification: Benign. Last evaluated: 2026-02-03. Review status: criteria provided, single submitter. Criteria: Invitae Variant Classification Sherloc (09022015). Collection method: clinical testing. Allele origin: germline.

ARUP Laboratories, Molecular Genetics and Genomics, ARUP Laboratories
Classification: Benign for Erythrocytosis, familial, 4. Last evaluated: 2025-07-22. Review status: criteria provided, single submitter. Criteria: ARUP Molecular Germline Variant Investigation Process 2024. Collection method: clinical testing. Allele origin: germline.

Mayo Clinic Laboratories, Mayo Clinic
Classification: Benign. Last evaluated: 2023-04-09. Review status: criteria provided, single submitter. Criteria: ACMG Guidelines, 2015. Collection method: clinical testing. Allele origin: germline. Observed: 33 variant alleles.

GeneDx
Classification: Benign. Last evaluated: 2018-06-22. Review status: criteria provided, single submitter. Criteria: GeneDx Variant Classification Process June 2021. Collection method: clinical testing. Allele origin: germline. Affected: yes.

Illumina Laboratory Services, Illumina
Classification: Benign for Erythrocytosis, familial, 4. Last evaluated: 2018-01-12. Review status: criteria provided, single submitter. Criteria: ICSL Variant Classification Criteria 13 December 2019. Collection method: clinical testing. Allele origin: germline.
Comment: This variant was observed in the ICSL laboratory as part of a predisposition screen in an ostensibly healthy population. It had not been previously curated by ICSL or reported in the Human Gene Mutation Database (HGMD: prior to June 1st, 2018), and was therefore a candidate for classification through an automated scoring system. Utilizing variant allele frequency, disease prevalence and penetrance estimates, and inheritance mode, an automated score was calculated to assess if this variant is too frequent to cause the disease. Based on the score and internal cut-off values, a variant classified as benign is not then subjected to further curation. The score for this variant resulted in a classification of benign for this disease.

Breakthrough Genomics
Classification: Benign. Review status: criteria provided, single submitter. Criteria: ACMG Guidelines, 2015. Collection method: not provided. Allele origin: germline. Inheritance: Autosomal dominant inheritance. Affected: yes.

PreventionGenetics, part of Exact Sciences
Classification: Benign for EPAS1-related condition. Last evaluated: 2019-11-26. Review status: no assertion criteria provided. Collection method: clinical testing. Allele origin: germline. Not counted in ClinVar's aggregate classification.
Comment: This variant is classified as benign based on ACMG/AMP sequence variant interpretation guidelines (Richards et al. 2015 PMID: 25741868, with internal and published modifications).

NM_001430.5(EPAS1):c.2296A>C (p.Thr766Pro)

Gene: EPAS1 (endothelial PAS domain protein 1; plus strand). Cytogenetic location: 2p21.
Variant type: single nucleotide variant.
Coding change: c.2296A>C on transcript NM_001430.5 (MANE Select); coding-DNA position 2296, A replaced by C.
Protein change: p.Thr766Pro; replaces threonine 766 with proline.
Molecular consequence: missense variant.
Genome position (GRCh38, 1-based): chr2:46,382,433, A>C. VCF-style: chr2-46382433-A-C. GRCh37 (hg19) VCF-style: chr2-46609572-A-C.
Other names: short protein forms T766P.
Identifiers: ClinVar variation 336274 (VCV000336274.16), dbSNP rs59901247, ClinGen allele CA1645308.